The following is an entry in ClinVar:

ClinVar aggregate classification (germline): Conflicting classifications of pathogenicity. Review status: criteria provided, conflicting classifications (1 of 4 stars). 2 submissions from 2 submitters: Likely pathogenic (1); Uncertain significance (1). Last evaluated 2021-07-10.

Conditions:
Congenital insensitivity to pain-hypohidrosis syndrome. Also called: HSAN VIII; Neuropathy, hereditary sensory and autonomic, type VIII. Identifiers: Orphanet 478664, MedGen C4225308, MONDO:0014662, OMIM 616488.

Submissions (2):

GeneDx
Classification: Uncertain significance. Last evaluated: 2021-07-10. Review status: criteria provided, single submitter. Criteria: GeneDx Variant Classification Process June 2021. Collection method: clinical testing. Allele origin: germline. Affected: yes.
Comment: Not observed in large population cohorts (Lek et al., 2016); In silico analysis supports that this missense variant has a deleterious effect on protein structure/function; Has not been previously published as pathogenic or benign to our knowledge; This variant is associated with the following publications: (PMID: 27535533)

Illumina Laboratory Services, Illumina
Classification: Likely pathogenic for Congenital insensitivity to pain-hypohidrosis syndrome. Last evaluated: 2020-12-21. Review status: criteria provided, single submitter. Criteria: ICSLVariantClassificationCriteria RUGD 01 April 2020. Collection method: clinical testing. Allele origin: unknown.
Comment: The PRDM12 c.742T>G (p.Cys248Gly) variant is a missense variant. A literature search was performed for the gene, cDNA change, and amino acid change. No publications were found based on this search. This variant is not found in the Genome Aggregation Database in a region of good sequence coverage, so the variant is presumed to be rare. The p.Cys248Gly variant is located in a conserved zinc-finger domain, C2H2 type 1 with no reported benign missense variation. Zinc-finger domains of PRDM12 are shown to be important for its function as their deletion impacts interaction with G9a, which is required for its methylase activity (Chen et al. 2015). In addition, missense variants are a common mechanism of the disorder (Kaur et al. 2020; Imhof et al. 2020). In silico predictions suggest a damaging role of the p.Cys248Gly variant on the PRDM12 protein. Based on the collective evidence and application of the ACMG criteria, the p.Cys248Gly variant is classified as likely pathogenic for hereditary sensory and autonomic neuropathy.

Literature cited by the submitters: PubMed 26005867 (cited by Illumina Laboratory Services, Illumina); PubMed 32409124 (cited by Illumina Laboratory Services, Illumina); PubMed 32828702 (cited by Illumina Laboratory Services, Illumina).

NM_021619.3(PRDM12):c.742T>G (p.Cys248Gly)

Gene: PRDM12 (PR/SET domain 12; plus strand). Cytogenetic location: 9q34.12.
Variant type: single nucleotide variant.
Coding change: c.742T>G on transcript NM_021619.3 (MANE Select); coding-DNA position 742, T replaced by G.
Protein change: p.Cys248Gly; replaces cysteine 248 with glycine.
Molecular consequence: missense variant.
Genome position (GRCh38, 1-based): chr9:130,681,307, T>G. VCF-style: chr9-130681307-T-G. GRCh37 (hg19) VCF-style: chr9-133556694-T-G.
Other names: short protein forms C248G.
Identifiers: ClinVar variation 1199181 (VCV001199181.6), dbSNP rs2132608027, ClinGen allele CA375244555.